The following is an entry in ClinVar:

ClinVar aggregate classification (germline): Uncertain significance (1 of 4 stars; one submission).

Conditions:
Mucopolysaccharidosis, MPS-III-A (MPS3A). Also called: Mucopolysaccharidosis, type IIIA; mucopolysaccharidosis type 3A; MPS IIIA (Sanfilippo Syndrome Type A); HEPARAN SULFATE SULFATASE DEFICIENCY; Mucopolysaccharidosis type IIIA (Sanfilippo A); SANFILIPPO SYNDROME A. Identifiers: Orphanet 581, Orphanet 79269, MedGen C0086647, MONDO:0009655, OMIM 252900.

Submission:

Labcorp Genetics (formerly Invitae), Labcorp
Classification: Uncertain significance for Mucopolysaccharidosis, MPS-III-A. Last evaluated: 2022-06-20. Review status: criteria provided, single submitter. Criteria: Invitae Variant Classification Sherloc (09022015). Collection method: clinical testing. Allele origin: germline.
Comment: In summary, the available evidence is currently insufficient to determine the role of this variant in disease. Therefore, it has been classified as a Variant of Uncertain Significance. Algorithms developed to predict the effect of missense changes on protein structure and function are either unavailable or do not agree on the potential impact of this missense change (SIFT: "Deleterious"; PolyPhen-2: "Possibly Damaging"; Align-GVGD: "Class C0"). This variant has not been reported in the literature in individuals affected with SGSH-related conditions. This variant is not present in population databases (gnomAD no frequency). This sequence change replaces histidine, which is basic and polar, with arginine, which is basic and polar, at codon 49 of the SGSH protein (p.His49Arg).

NM_000199.5(SGSH):c.146A>G (p.His49Arg)

Gene: SGSH (N-sulfoglucosamine sulfohydrolase; minus strand). Cytogenetic location: 17q25.3.
Variant type: single nucleotide variant.
Coding change: c.146A>G on transcript NM_000199.5 (MANE Select); coding-DNA position 146, A replaced by G.
Protein change: p.His49Arg; replaces histidine 49 with arginine.
Molecular consequence: missense variant. On other transcripts: non-coding transcript variant (1).
Genome position (GRCh38, 1-based): chr17:80,217,135, T>C on the plus strand (A>G on the coding strand, the complement: SGSH is on the minus strand). VCF-style: chr17-80217135-T-C. GRCh37 (hg19) VCF-style: chr17-78190934-T-C.
Other names: c.146A>G, p.His49Arg (NM_001352921.3, NM_001352922.2); short protein forms H49R.
Identifiers: ClinVar variation 1412216 (VCV001412216.8), dbSNP rs1598757846, ClinGen allele CA401364488.